The following is an entry in ClinVar:

NM_000489.6(ATRX):c.6326+3A>G

Gene: ATRX (ATRX chromatin remodeler; minus strand). Cytogenetic location: Xq21.1.
Variant type: single nucleotide variant.
Coding change: c.6326+3A>G on transcript NM_000489.6 (MANE Select); 3 bases into the intron after coding-DNA position 6326, A replaced by G.
Molecular consequence: intron variant.
Genome position (GRCh38, 1-based): chrX:77,574,247, T>C on the plus strand (A>G on the coding strand, the complement: ATRX is on the minus strand). VCF-style: chrX-77574247-T-C. GRCh37 (hg19) VCF-style: chrX-76829712-T-C.
Other names: c.6212+3A>G (NM_138270.5).
Identifiers: ClinVar variation 3332735 (VCV003332735.2).

ClinVar aggregate classification (germline): Uncertain significance. Review status: criteria provided, multiple submitters, no conflicts (2 of 4 stars). 2 submissions from 2 submitters: Uncertain significance (2). Last evaluated 2024-04-04.

Conditions:
Inborn genetic diseases. Identifiers: MedGen C0950123, MeSH D030342.
Intellectual disability-hypotonic facies syndrome, X-linked, 1 (MRXHF1). Also called: XLMR-HYPOTONIC FACIES SYNDROME; Smith Fineman Myers syndrome 1; HOLMES-GANG SYNDROME; CHUDLEY-LOWRY SYNDROME; Chudley syndrome 1; Chudley-Lowry-Hoar syndrome. Identifiers: Orphanet 73220, Orphanet 93970, Orphanet 93971, Orphanet 93972, Orphanet 93973, Orphanet 93974, Orphanet 93975, MedGen C4759781, MONDO:0010663, OMIM 309580.
Acquired hemoglobin H disease (ATMDS). Also called: Alpha-thalassemia myelodysplasia syndrome; Alpha-thalassemia myelodysplasia syndrome, somatic; Alpha-thalassemia-myelodysplastic syndrome. Identifiers: Orphanet 231401, MedGen C0585216, MONDO:0010328, OMIM 300448.
Alpha thalassemia-X-linked intellectual disability syndrome (ATRX). Also called: ALPHA-THALASSEMIA/MENTAL RETARDATION SYNDROME, X-LINKED; ATR, NONDELETION TYPE; ATR-X syndrome; Alpha thalassemia mental retardation syndrome, nondeletion type, X-linked; XLMR hypotonic face syndrome; X-linked alpha-thalassemia-mental retardation syndrome. Identifiers: Orphanet 847, MedGen C1845055, MONDO:0010519, OMIM 301040.

Submissions (2):

Fulgent Genetics
Classification: Uncertain significance for Acquired hemoglobin H disease; Alpha thalassemia-X-linked intellectual disability syndrome; Intellectual disability-hypotonic facies syndrome, X-linked, 1. Last evaluated: 2024-04-04. Review status: criteria provided, single submitter. Criteria: ACMG Guidelines, 2015. Collection method: clinical testing. Allele origin: germline.

Ambry Genetics
Classification: Uncertain significance for Inborn genetic diseases. Last evaluated: 2024-03-18. Review status: criteria provided, single submitter. Criteria: Ambry Variant Classification Scheme 2023. Collection method: clinical testing. Allele origin: germline.
Comment: The c.6326+3A>G intronic alteration results from an A to G substitution 3 nucleotides after coding exon 28 of the ATRX gene. This variant was not reported in population-based cohorts in the Genome Aggregation Database (gnomAD). This nucleotide position is well conserved in available vertebrate species. In silico splice site analysis predicts that this alteration may result in the creation or strengthening of a novel splice donor site. Based on insufficient or conflicting evidence, the clinical significance of this alteration remains unclear.